The following is an entry in ClinVar:

NM_001451.3(FOXF1):c.13C>A (p.Pro5Thr)

Gene: FOXF1 (forkhead box F1; plus strand). Cytogenetic location: 16q24.1.
Variant type: single nucleotide variant.
Coding change: c.13C>A on transcript NM_001451.3 (MANE Select); coding-DNA position 13, C replaced by A.
Protein change: p.Pro5Thr; replaces proline 5 with threonine.
Molecular consequence: missense variant.
Genome position (GRCh38, 1-based): chr16:86,510,582, C>A. VCF-style: chr16-86510582-C-A. GRCh37 (hg19) VCF-style: chr16-86544188-C-A.
Other names: short protein forms P5T.
Identifiers: ClinVar variation 4280123 (VCV004280123.1).

ClinVar aggregate classification (germline): Likely benign (1 of 4 stars; one submission).

Conditions:
Glomerulopathy with fibronectin deposits 2 (GFND2). Identifiers: Orphanet 84090, MedGen C1866075, MONDO:0011165, OMIM 601894.

gnomAD v4.1: 15 of 1,375,952 alleles (0.0011%); highest among the groups gnomAD compares: South Asian, 0.0018%; no homozygotes.

Submission:

Johns Hopkins Genomics, Johns Hopkins University
Classification: Likely benign for Glomerulopathy with fibronectin deposits 2. Last evaluated: 2025-01-10. Review status: criteria provided, single submitter. Criteria: ACMG Guidelines, 2015. Collection method: clinical testing. Allele origin: germline.
Comment: This variant is classified as likely benign (PM2, BS2_supporting, BP4).

Literature cited by the submitters: PubMed 19500772; PubMed 23505205.